The following is an entry in ClinVar:

ClinVar aggregate classification (germline): Uncertain significance. Review status: criteria provided, multiple submitters, no conflicts (2 of 4 stars). 2 submissions from 2 submitters: Uncertain significance (2). Last evaluated 2020-01-03.

Conditions:
Autosomal recessive ataxia, Beauce type. Also called: ATAXIA, RECESSIVE, OF BEAUCE; Spinocerebellar ataxia, autosomal recessive 8; SYNE1-Related Autosomal Recessive Cerebellar Ataxia; SYNE1 Deficiency. Identifiers: Orphanet 88644, MedGen C1853116, MONDO:0012549, OMIM 610743.
Emery-Dreifuss muscular dystrophy 4, autosomal dominant (EDMD4). Also called: EMERY-DREIFUSS MUSCULAR DYSTROPHY 4 WITH VARIABLE FEATURES. Identifiers: Orphanet 261, MedGen C2751807, MONDO:0013071, OMIM 612998.

Allele frequency attached by ClinVar (database versions not stated): gnomAD exomes 0.00001; TOPMed below 0.00001; gnomAD 0.00001.
gnomAD v4.1: 10 of 1,613,706 alleles (0.00062%); highest among the groups gnomAD compares: Non-Finnish European, 0.00076%; no homozygotes.

Submissions (2):

Labcorp Genetics (formerly Invitae), Labcorp
Classification: Uncertain significance for Emery-Dreifuss muscular dystrophy 4, autosomal dominant; Autosomal recessive ataxia, Beauce type. Last evaluated: 2020-01-03. Review status: criteria provided, single submitter. Criteria: Invitae Variant Classification Sherloc (09022015). Collection method: clinical testing. Allele origin: germline.
Comment: This sequence change replaces cysteine with tyrosine at codon 872 of the SYNE1 protein (p.Cys872Tyr). The cysteine residue is highly conserved and there is a large physicochemical difference between cysteine and tyrosine. This variant is not present in population databases (ExAC no frequency). This variant has not been reported in the literature in individuals with SYNE1-related conditions. Algorithms developed to predict the effect of missense changes on protein structure and function are either unavailable or do not agree on the potential impact of this missense change (SIFT: "Deleterious"; PolyPhen-2: "Probably Damaging"; Align-GVGD: "Class C0"). In summary, the available evidence is currently insufficient to determine the role of this variant in disease. Therefore, it has been classified as a Variant of Uncertain Significance.

Revvity Omics, Revvity
Classification: Uncertain significance. Last evaluated: 2019-07-16. Review status: criteria provided, single submitter. Criteria: ACMG Guidelines, 2015. Collection method: clinical testing. Allele origin: germline.

NM_182961.4(SYNE1):c.2594G>A (p.Cys865Tyr)

Gene: SYNE1 (spectrin repeat containing nuclear envelope protein 1; minus strand). Cytogenetic location: 6q25.2.
Variant type: single nucleotide variant.
Coding change: c.2594G>A on transcript NM_182961.4 (MANE Select); coding-DNA position 2594, G replaced by A.
Protein change: p.Cys865Tyr; replaces cysteine 865 with tyrosine.
Molecular consequence: missense variant.
Genome position (GRCh38, 1-based): chr6:152,456,019, C>T on the plus strand (G>A on the coding strand, the complement: SYNE1 is on the minus strand). VCF-style: chr6-152456019-C-T. GRCh37 (hg19) VCF-style: chr6-152777154-C-T.
Other names: c.2615G>A (NM_033071.3); c.2615G>A, p.Cys872Tyr (NM_033071.5); short protein forms C865Y, C872Y.
Identifiers: ClinVar variation 1018466 (VCV001018466.11), dbSNP rs1229969547, ClinGen allele CA366113049.
Genomic context (GRCh38, chr6:152,456,019, plus strand): 5'-AAGGTCACAAACTTTTGAACACTTTGACTGCCTTTCTCAATAAGTGTCAAGGTTTTCTTA[C>T]AGTTTTCTTGACAAGCTAACAGTTCCTATAACGAAATGAAACCCCACAACAATGTTATTT-3'
Protein context (NP_892006.3, residues 855-875): HQELLACQEN[Cys865Tyr]KKTLTLIEKG